The following is an entry in ClinVar:

NM_000179.3(MSH6):c.3802-43dup

Gene: MSH6 (mutS homolog 6; plus strand). Cytogenetic location: 2p16.3.
Variant type: Duplication.
Coding change: c.3802-43dup on transcript NM_000179.3 (MANE Select); 43 bases into the intron before coding-DNA position 3802, one base duplicated (T; older notation c.3802-43dupT).
Molecular consequence: intron variant.
Genome position (GRCh38, 1-based): chr2:47,806,409, T duplicated; the last of 2 consecutive T bases (chr2:47,806,408-47,806,409); duplicating either gives the same sequence. VCF-style (leftmost placement, unchanged base first): chr2-47806407-C-CT. GRCh37 (hg19) VCF-style: chr2-48033546-C-CT.
Other names: c.2896-43dup (NM_001281493.2, NM_001281494.2); c.3412-43dup (NM_001281492.2).
Identifiers: ClinVar variation 89467 (VCV000089467.10), dbSNP rs34154602, ClinGen allele CA210376.

ClinVar aggregate classification (germline): Benign. Review status: reviewed by expert panel (3 of 4 stars). 4 submissions from 4 submitters: Benign (1). 3 of the submissions do not count toward it. Last evaluated 2013-09-05.

Conditions:
Lynch syndrome. Identifiers: Orphanet 144, MedGen C4552100, MONDO:0005835. Disease mechanism: loss of function.
Familial cancer of breast. Also called: Hereditary breast cancer; hereditary breast carcinoma; BREAST CANCER, FAMILIAL. Identifiers: Orphanet 227535, MedGen C0346153, MONDO:0016419, OMIM 114480. Disease mechanism: loss of function.

Submissions (4):

International Society for Gastrointestinal Hereditary Tumours (InSiGHT)
Classification: Benign for Lynch Syndrome. Last evaluated: 2013-09-05. Review status: reviewed by expert panel. Criteria: Guidelines v1.9. Collection method: research. Allele origin: germline.
Comment: MAF >1%

Classified with v1.9 guidelines
ClinVar note: Converted during submission from no known pathogenicity to Benign.

Department of Pathology and Laboratory Medicine, Sinai Health System
Classification: Benign for hereditary breast carcinoma. Last evaluated: 2022-10-20. Review status: criteria provided, single submitter. Criteria: ACMG Guidelines, 2015. Collection method: clinical testing. Allele origin: germline. Affected: no. Not counted in ClinVar's aggregate classification.

GeneDx
Classification: Benign. Last evaluated: 2015-03-03. Review status: criteria provided, single submitter. Criteria: GeneDx Variant Classification Process June 2021. Collection method: clinical testing. Allele origin: germline. Affected: yes. Not counted in ClinVar's aggregate classification.

Mayo Clinic Laboratories, Mayo Clinic
Classification: Benign. Review status: no assertion criteria provided. Collection method: research. Allele origin: unknown. Observed: 1 variant allele. Not counted in ClinVar's aggregate classification.